The following is an entry in ClinVar:

NM_000536.4(RAG2):c.695A>G (p.Asn232Ser)

Gene: RAG2 (recombination activating 2; minus strand). Cytogenetic location: 11p12.
Variant type: single nucleotide variant.
Coding change: c.695A>G on transcript NM_000536.4 (MANE Select); coding-DNA position 695, A replaced by G.
Protein change: p.Asn232Ser; replaces asparagine 232 with serine.
Molecular consequence: missense variant.
Genome position (GRCh38, 1-based): chr11:36,593,474, T>C on the plus strand (A>G on the coding strand, the complement: RAG2 is on the minus strand). VCF-style: chr11-36593474-T-C. GRCh37 (hg19) VCF-style: chr11-36615024-T-C.
Other names: c.695A>G, p.Asn232Ser (NM_001243785.2, NM_001243786.2); short protein forms N232S.
Identifiers: ClinVar variation 1011251 (VCV001011251.6), dbSNP rs550672306, ClinGen allele CA5950539.

ClinVar aggregate classification (germline): Uncertain significance (1 of 4 stars; one submission).

Conditions:
Severe combined immunodeficiency, autosomal recessive, T cell-negative, B cell-negative, NK cell-positive. Also called: SCID, T CELL-NEGATIVE, B CELL-NEGATIVE, NK CELL-POSITIVE; SCID, AR, T-cell negative, B-cell negative, NK cell-positive; Severe combined immunodeficiency due to complete RAG1/2 deficiency. Identifiers: Orphanet 331206, MedGen C1832322, MONDO:0011086, OMIM 601457.
Combined immunodeficiency with skin granulomas. Identifiers: Orphanet 157949, MedGen C2673536, MONDO:0009306, OMIM 233650.

Allele frequency attached by ClinVar (database versions not stated): gnomAD exomes below 0.00001 and 0.00001; gnomAD 0.00001; TOPMed 0.00001; ExAC 0.00002; 1000 Genomes Project 0.00020; 1000 Genomes Project 30x 0.00031.

Submission:

Labcorp Genetics (formerly Invitae), Labcorp
Classification: Uncertain significance for Combined immunodeficiency with skin granulomas; Severe combined immunodeficiency, autosomal recessive, T cell-negative, B cell-negative, NK cell-positive. Last evaluated: 2021-08-25. Review status: criteria provided, single submitter. Criteria: Invitae Variant Classification Sherloc (09022015). Collection method: clinical testing. Allele origin: germline.
Comment: This sequence change replaces asparagine with serine at codon 232 of the RAG2 protein (p.Asn232Ser). The asparagine residue is highly conserved and there is a small physicochemical difference between asparagine and serine. This variant is present in population databases (rs550672306, ExAC 0.01%). This variant has not been reported in the literature in individuals affected with RAG2-related conditions. Algorithms developed to predict the effect of missense changes on protein structure and function output the following: SIFT: "Tolerated"; PolyPhen-2: "Possibly Damaging"; Align-GVGD: "Class C0". The serine amino acid residue is found in multiple mammalian species, which suggests that this missense change does not adversely affect protein function. Algorithms developed to predict the effect of sequence changes on RNA splicing suggest that this variant may create or strengthen a splice site. In summary, the available evidence is currently insufficient to determine the role of this variant in disease. Therefore, it has been classified as a Variant of Uncertain Significance.